The following is an entry in ClinVar:

NM_174936.4(PCSK9):c.1633A>G (p.Ser545Gly)

Gene: PCSK9 (proprotein convertase subtilisin/kexin type 9; plus strand). Cytogenetic location: 1p32.3.
Variant type: single nucleotide variant.
Coding change: c.1633A>G on transcript NM_174936.4 (MANE Select); coding-DNA position 1633, A replaced by G.
Protein change: p.Ser545Gly; replaces serine 545 with glycine.
Molecular consequence: missense variant. On other transcripts: non-coding transcript variant (7), intron variant (1).
Genome position (GRCh38, 1-based): chr1:55,059,615, A>G. VCF-style: chr1-55059615-A-G. GRCh37 (hg19) VCF-style: chr1-55525288-A-G.
Other names: c.1756A>G, p.Ser586Gly (NM_001407240.1); c.1675A>G, p.Ser559Gly (NM_001407241.1); c.1636A>G, p.Ser546Gly (NM_001407242.1); c.1576A>G, p.Ser526Gly (NM_001407243.1); c.1459A>G, p.Ser487Gly (NM_001407244.1); c.1441A>G, p.Ser481Gly (NM_001407245.1); c.1258A>G, p.Ser420Gly (NM_001407246.1); c.1181-1760A>G (NM_001407247.1); short protein forms S420G, S481G, S487G, S526G, S545G, S546G, S559G, S586G.
Identifiers: ClinVar variation 4757594 (VCV004757594.1).
Genomic context (GRCh38, chr1:55,059,615, plus strand): 5'-AGGTGCTGCCTGCTACCCCAGGCCAACTGCAGCGTCCACACAGCTCCACCAGCTGAGGCC[A>G]GCATGGGGACCCGTGTCCACTGCCACCAACAGGGCCACGTCCTCACAGGTAGGAGGCTGG-3'
Protein context (NP_777596.2, residues 535-555): SVHTAPPAEA[Ser545Gly]MGTRVHCHQQ

ClinVar aggregate classification (germline): Uncertain significance (1 of 4 stars; one submission).

Conditions:
Familial hypercholesterolemia. Also called: Familial hypercholesterolaemia. Identifiers: MedGen C0020445, MONDO:0005439.

gnomAD v4.1: 1 of 1,552,450 alleles (0.000064%); highest among the groups gnomAD compares: Admixed American, 0.002%; no homozygotes.

Submission:

Color Diagnostics, LLC DBA Color Health
Classification: Uncertain significance for Familial hypercholesterolemia. Last evaluated: 2025-07-07. Review status: criteria provided, single submitter. Criteria: ACMG Guidelines, 2015. Collection method: clinical testing. Allele origin: germline.
Comment: This missense variant replaces serine with glycine at codon 545 of the PCSK9 protein. Computational prediction suggests that this variant may not impact protein structure and function. To our knowledge, functional studies have not been reported for this variant. This variant has not been reported in individuals affected with PCSK9-related disorders in the literature. This variant has not been identified in the general population by the Genome Aggregation Database (gnomAD). The available evidence is insufficient to determine the role of this variant in disease conclusively. Therefore, this variant is classified as a Variant of Uncertain Significance.